The following is an entry in ClinVar:

NM_153000.5(APCDD1):c.1196G>C (p.Gly399Ala)

Gene: APCDD1 (APC down-regulated 1; plus strand). Cytogenetic location: 18p11.22.
Variant type: single nucleotide variant.
Coding change: c.1196G>C on transcript NM_153000.5 (MANE Select); coding-DNA position 1196, G replaced by C.
Protein change: p.Gly399Ala; replaces glycine 399 with alanine.
Molecular consequence: missense variant.
Genome position (GRCh38, 1-based): chr18:10,487,689, G>C. VCF-style: chr18-10487689-G-C. GRCh37 (hg19) VCF-style: chr18-10487686-G-C.
Other names: short protein forms G399A.
Identifiers: ClinVar variation 2796919 (VCV002796919.3), dbSNP rs2510162787, ClinGen allele CA401906211.
Genomic context (GRCh38, chr18:10,487,689, plus strand): 5'-CCTCACTGCTCAACGTCTTCAACGGGAATGAGTGCGGGGCCGAGGGCTCCTGGCAGGTGG[G>C]CATCCAGCAGGATGTGACCCACACCAATGGCTGCGTGGCCCTGGGCATCAAACTACCTCA-3'
Protein context (NP_694545.1, residues 389-409): ECGAEGSWQV[Gly399Ala]IQQDVTHTNG

ClinVar aggregate classification (germline): Uncertain significance (1 of 4 stars; one submission).

Allele frequency attached by ClinVar (database versions not stated): gnomAD exomes below 0.00001.
gnomAD v4.1: 1 of 1,614,168 alleles (0.000062%); highest among the groups gnomAD compares: Non-Finnish European, 0.000085%; no homozygotes.

Submission:

Labcorp Genetics (formerly Invitae), Labcorp
Classification: Uncertain significance. Last evaluated: 2024-02-14. Review status: criteria provided, single submitter. Criteria: Invitae Variant Classification Sherloc (09022015). Collection method: clinical testing. Allele origin: germline.
Comment: This sequence change replaces glycine, which is neutral and non-polar, with alanine, which is neutral and non-polar, at codon 399 of the APCDD1 protein (p.Gly399Ala). This variant is not present in population databases (gnomAD no frequency). This variant has not been reported in the literature in individuals affected with APCDD1-related conditions. Advanced modeling of protein sequence and biophysical properties (such as structural, functional, and spatial information, amino acid conservation, physicochemical variation, residue mobility, and thermodynamic stability) performed at Invitae indicates that this missense variant is not expected to disrupt APCDD1 protein function with a negative predictive value of 80%. In summary, the available evidence is currently insufficient to determine the role of this variant in disease. Therefore, it has been classified as a Variant of Uncertain Significance.